The following is an entry in ClinVar:

ClinVar aggregate classification (germline): Uncertain significance. Review status: criteria provided, multiple submitters, no conflicts (2 of 4 stars). 3 submissions from 3 submitters: Uncertain significance (3). Last evaluated 2025-05-15.

Conditions:
PRX-related disorder. Also called: PRX-related condition; PRX-Related Disorders.
Charcot-Marie-Tooth disease. Also called: Charcot-Marie-Tooth Hereditary Neuropathy; Charcot-Marie-Tooth Neuropathy. Identifiers: Orphanet 166, MedGen C0007959, MONDO:0015626.
Charcot-Marie-Tooth disease type 4. Also called: Charcot-Marie-Tooth disease, type IV; Charcot-Marie-Tooth, Type 4. Identifiers: Orphanet 64749, MedGen C4082197, MONDO:0018995.

Allele frequency attached by ClinVar (database versions not stated): gnomAD exomes below 0.00001; TOPMed 0.00001; ExAC 0.00002; gnomAD 0.00002.
gnomAD v4.1: 7 of 1,611,034 alleles (0.00043%); highest among the groups gnomAD compares: African/African-American, 0.0027%; no homozygotes.

Submissions (3):

PreventionGenetics, part of Exact Sciences
Classification: Uncertain significance for PRX-related condition. Last evaluated: 2025-05-15. Review status: criteria provided, single submitter. Criteria: ACMG Guidelines, 2015. Collection method: clinical testing. Allele origin: germline.
Comment: The PRX c.1585A>G variant is predicted to result in the amino acid substitution p.Lys529Glu. This variant was reported in an individual with Charcot-Marie-Tooth disease (Supplementary Table 2, Volodarsky et al. 2021. PubMed ID: 32376792). This variant is reported in 0.0065% of alleles in individuals of European (Non-Finnish) descent in gnomAD. At this time, the clinical significance of this variant is uncertain due to the absence of conclusive functional and genetic evidence.

Labcorp Genetics (formerly Invitae), Labcorp
Classification: Uncertain significance for Charcot-Marie-Tooth disease type 4. Last evaluated: 2020-06-11. Review status: criteria provided, single submitter. Criteria: Invitae Variant Classification Sherloc (09022015). Collection method: clinical testing. Allele origin: germline.
Comment: This sequence change replaces lysine with glutamic acid at codon 529 of the PRX protein (p.Lys529Glu). The lysine residue is weakly conserved and there is a small physicochemical difference between lysine and glutamic acid. This variant is present in population databases (rs767098112, ExAC 0.01%). This variant has not been reported in the literature in individuals with PRX-related disease. Algorithms developed to predict the effect of missense changes on protein structure and function are either unavailable or do not agree on the potential impact of this missense change (SIFT: "Deleterious"; PolyPhen-2: "Possibly Damaging"; Align-GVGD: "Class C0"). In summary, the available evidence is currently insufficient to determine the role of this variant in disease. Therefore, it has been classified as a Variant of Uncertain Significance.

Molecular Genetics Laboratory, London Health Sciences Centre
Classification: Uncertain significance for Charcot-Marie-Tooth disease. Review status: criteria provided, single submitter. Criteria: ACMG Guidelines, 2015. Collection method: clinical testing. Allele origin: germline. Affected: yes.

NM_181882.3(PRX):c.1585A>G (p.Lys529Glu)

Gene: PRX (periaxin; minus strand). Cytogenetic location: 19q13.2.
Variant type: single nucleotide variant.
Coding change: c.1585A>G on transcript NM_181882.3 (MANE Select); coding-DNA position 1585, A replaced by G.
Protein change: p.Lys529Glu; replaces lysine 529 with glutamic acid.
Molecular consequence: missense variant. On other transcripts: 3 prime UTR variant (1).
Genome position (GRCh38, 1-based): chr19:40,396,767, T>C on the plus strand (A>G on the coding strand, the complement: PRX is on the minus strand). VCF-style: chr19-40396767-T-C. GRCh37 (hg19) VCF-style: chr19-40902674-T-C.
Other names: c.*1790A>G (NM_020956.2); short protein forms K529E.
Identifiers: ClinVar variation 664478 (VCV000664478.10), dbSNP rs767098112, ClinGen allele CA9444236.